The following is an entry in ClinVar:

NM_020778.5(ALPK3):c.2400C>T (p.Leu800=)

Gene: ALPK3 (alpha kinase 3; plus strand). Cytogenetic location: 15q25.3.
Variant type: single nucleotide variant.
Coding change: c.2400C>T on transcript NM_020778.5 (MANE Select); coding-DNA position 2400, C replaced by T.
Protein change: p.Leu800=; no amino-acid change (leucine 800 retained).
Molecular consequence: synonymous variant.
Genome position (GRCh38, 1-based): chr15:84,857,138, C>T. VCF-style: chr15-84857138-C-T. GRCh37 (hg19) VCF-style: chr15-85400369-C-T.
Other names: c.3006C>T (NM_020778.4).
Identifiers: ClinVar variation 2414052 (VCV002414052.11), dbSNP rs769693682, ClinGen allele CA7709402.

ClinVar aggregate classification (germline): Likely benign. Review status: criteria provided, multiple submitters, no conflicts (2 of 4 stars). 3 submissions from 3 submitters: Likely benign (3). Last evaluated 2025-09-11.

Conditions:
Cardiovascular phenotype. Identifiers: MedGen CN230736.
ALPK3-related disorder. Also called: ALPK3-related condition.

Allele frequency attached by ClinVar (database versions not stated): ExAC 0.00001.
gnomAD v4.1: 7 of 1,614,054 alleles (0.00043%); highest among the groups gnomAD compares: Non-Finnish European, 0.00059%; no homozygotes.

Submissions (3):

PreventionGenetics, part of Exact Sciences
Classification: Likely benign for ALPK3-related condition. Last evaluated: 2025-09-11. Review status: criteria provided, single submitter. Criteria: ACMG Guidelines, 2015. Collection method: clinical testing. Allele origin: germline.
Comment: This variant is classified as likely benign based on ACMG/AMP sequence variant interpretation guidelines (Richards et al. 2015 PMID: 25741868, with internal and published modifications).

Labcorp Genetics (formerly Invitae), Labcorp
Classification: Likely benign. Last evaluated: 2025-06-09. Review status: criteria provided, single submitter. Criteria: Invitae Variant Classification Sherloc (09022015). Collection method: clinical testing. Allele origin: germline.

Ambry Genetics
Classification: Likely benign for Cardiovascular phenotype. Last evaluated: 2023-06-11. Review status: criteria provided, single submitter. Criteria: Ambry Variant Classification Scheme 2023. Collection method: clinical testing. Allele origin: germline.